The following is an entry in ClinVar:

ClinVar aggregate classification (germline): Uncertain significance. Review status: criteria provided, multiple submitters, no conflicts (2 of 4 stars). 2 submissions from 2 submitters: Uncertain significance (2). Last evaluated 2022-11-22.

Conditions:
Spermatogenic failure 72 (SPGF72). Identifiers: MedGen C5676980, MONDO:0030809, OMIM 619867.
Asphyxiating thoracic dystrophy 5 (SRTD5). Also called: SHORT-RIB THORACIC DYSPLASIA 5 WITH OR WITHOUT POLYDACTYLY; SHORT-RIB THORACIC DYSPLASIA 5 WITHOUT POLYDACTYLY. Identifiers: Orphanet 474, MedGen C3280598, MONDO:0013717, OMIM 614376.
Nephronophthisis 13 (NPHP13). Identifiers: Orphanet 655, MedGen C3280612, MONDO:0013718, OMIM 614377.
Cranioectodermal dysplasia 4 (CED4). Identifiers: Orphanet 1515, MedGen C3280616, MONDO:0013719, OMIM 614378.
Senior-Loken syndrome 8 (SLSN8). Identifiers: Orphanet 3156, MedGen C4225376, MONDO:0014579, OMIM 616307.

Allele frequency attached by ClinVar (database versions not stated): gnomAD 0.00001; gnomAD exomes 0.00001 and 0.00002; ESP Exome Variant Server 0.00008.
gnomAD v4.1: 9 of 1,613,590 alleles (0.00056%); highest among the groups gnomAD compares: South Asian, 0.0066%; 1 homozygote.

Submissions (2):

Labcorp Genetics (formerly Invitae), Labcorp
Classification: Uncertain significance for Senior-Loken syndrome 8; Asphyxiating thoracic dystrophy 5. Last evaluated: 2022-11-22. Review status: criteria provided, single submitter. Criteria: Invitae Variant Classification Sherloc (09022015). Collection method: clinical testing. Allele origin: germline.
Comment: ClinVar contains an entry for this variant (Variation ID: 1509262). In summary, the available evidence is currently insufficient to determine the role of this variant in disease. Therefore, it has been classified as a Variant of Uncertain Significance. Advanced modeling of protein sequence and biophysical properties (such as structural, functional, and spatial information, amino acid conservation, physicochemical variation, residue mobility, and thermodynamic stability) performed at Invitae indicates that this missense variant is not expected to disrupt WDR19 protein function. This variant has not been reported in the literature in individuals affected with WDR19-related conditions. This variant is present in population databases (rs368286694, gnomAD 0.01%). This sequence change replaces isoleucine, which is neutral and non-polar, with methionine, which is neutral and non-polar, at codon 1193 of the WDR19 protein (p.Ile1193Met).

Fulgent Genetics
Classification: Uncertain significance for Asphyxiating thoracic dystrophy 5; Nephronophthisis 13; Cranioectodermal dysplasia 4; Senior-Loken syndrome 8; Spermatogenic failure 72. Last evaluated: 2022-04-05. Review status: criteria provided, single submitter. Criteria: ACMG Guidelines, 2015. Collection method: clinical testing. Allele origin: unknown.

NM_025132.4(WDR19):c.3579C>G (p.Ile1193Met)

Gene: WDR19 (WD repeat domain 19; plus strand). Cytogenetic location: 4p14.
Variant type: single nucleotide variant.
Coding change: c.3579C>G on transcript NM_025132.4 (MANE Select); coding-DNA position 3579, C replaced by G.
Protein change: p.Ile1193Met; replaces isoleucine 1193 with methionine.
Molecular consequence: missense variant.
Genome position (GRCh38, 1-based): chr4:39,274,821, C>G. VCF-style: chr4-39274821-C-G. GRCh37 (hg19) VCF-style: chr4-39276441-C-G.
Other names: c.3099C>G, p.Ile1033Met (NM_001317924.2); short protein forms I1033M, I1193M.
Identifiers: ClinVar variation 1509262 (VCV001509262.9), dbSNP rs368286694, ClinGen allele CA95703738.